The following is an entry in ClinVar:

NM_001048174.2(MUTYH):c.384G>C (p.Trp128Cys)

Gene: MUTYH (mutY DNA glycosylase; minus strand). Cytogenetic location: 1p34.1.
Variant type: single nucleotide variant.
Coding change: c.384G>C on transcript NM_001048174.2 (MANE Select); coding-DNA position 384, G replaced by C.
Protein change: p.Trp128Cys; replaces tryptophan 128 with cysteine.
Molecular consequence: missense variant. On other transcripts: non-coding transcript variant (6), intron variant (4).
Genome position (GRCh38, 1-based): chr1:45,332,954, C>G on the plus strand (G>C on the coding strand, the complement: MUTYH is on the minus strand). VCF-style: chr1-45332954-C-G. GRCh37 (hg19) VCF-style: chr1-45798626-C-G.
Other names: c.429G>C, p.Trp143Cys (NM_001293190.2); c.417G>C, p.Trp139Cys (NM_001293191.2, NM_001407077.1); c.108G>C, p.Trp36Cys (NM_001293192.2, NM_001293196.2, NM_001407091.1); c.384G>C, p.Trp128Cys (NM_001293195.2, NM_001407070.1, NM_001407088.1 and 5 more transcripts); c.39G>C, p.Trp13Cys (NM_001350650.2, NM_001350651.2, NM_001407082.1); c.387G>C, p.Trp129Cys (NM_001407071.1, NM_001407078.1, NM_001407086.1 and 1 more transcripts); c.459G>C, p.Trp153Cys (NM_012222.3); c.421-120G>C (NM_001407073.1); and 7 more; short protein forms W128C, W135C, W13C, W156C, W100C, W129C, W143C, W153C.
Identifiers: ClinVar variation 3664021 (VCV003664021.2).

ClinVar aggregate classification (germline): Uncertain significance (1 of 4 stars; one submission).

Conditions:
Familial adenomatous polyposis 2. Also called: FAP type 2; COLORECTAL ADENOMATOUS POLYPOSIS, AUTOSOMAL RECESSIVE; ADENOMAS, MULTIPLE COLORECTAL, AUTOSOMAL RECESSIVE; MYH-associated polyposis; Adenomas, multiple colorectal; MUTYH-associated polyposis. Identifiers: Orphanet 220460, Orphanet 247798, MedGen C3272841, MONDO:0012041, OMIM 608456.

Submission:

Labcorp Genetics (formerly Invitae), Labcorp
Classification: Uncertain significance for Familial adenomatous polyposis 2. Last evaluated: 2024-08-31. Review status: criteria provided, single submitter. Criteria: Invitae Variant Classification Sherloc (09022015). Collection method: clinical testing. Allele origin: germline.
Comment: This sequence change replaces tryptophan, which is neutral and slightly polar, with cysteine, which is neutral and slightly polar, at codon 156 of the MUTYH protein (p.Trp156Cys). This variant is not present in population databases (gnomAD no frequency). This variant has not been reported in the literature in individuals affected with MUTYH-related conditions. An algorithm developed to predict the effect of missense changes on protein structure and function (PolyPhen-2) suggests that this variant is likely to be disruptive. In summary, the available evidence is currently insufficient to determine the role of this variant in disease. Therefore, it has been classified as a Variant of Uncertain Significance.